The following is an entry in ClinVar:

NM_006009.4(TUBA1A):c.790C>T (p.Arg264Cys)

Gene: TUBA1A (tubulin alpha 1a; minus strand). Cytogenetic location: 12q13.12.
Variant type: single nucleotide variant.
Coding change: c.790C>T on transcript NM_006009.4 (MANE Select); coding-DNA position 790, C replaced by T.
Protein change: p.Arg264Cys; replaces arginine 264 with cysteine.
Molecular consequence: missense variant.
Genome position (GRCh38, 1-based): chr12:49,185,576, G>A on the plus strand (C>T on the coding strand, the complement: TUBA1A is on the minus strand). VCF-style: chr12-49185576-G-A. GRCh37 (hg19) VCF-style: chr12-49579359-G-A.
Other names: c.790C>T, p.Arg264Cys (NM_001270399.2); c.685C>T, p.Arg229Cys (NM_001270400.2); short protein forms R264C, R229C.
Identifiers: ClinVar variation 7070 (VCV000007070.26), dbSNP rs137853043, ClinGen allele CA213152.
Genomic context (GRCh38, chr12:49,185,576, plus strand): 5'-CATGGTAGGCTTTCTCAGCAGAGATGACAGGGGCATATGTGGCCAGAGGGAAGTGGATGC[G>A]GGGATAGGGCACCAGGTTGGTCTGGAATTCTGTCAGGTCAACATTCAGGGCTCCATCAAA-3'
Protein context (NP_006000.2, residues 254-274): EFQTNLVPYP[Arg264Cys]IHFPLATYAP

ClinVar aggregate classification (germline): Pathogenic. Review status: criteria provided, multiple submitters, no conflicts (2 of 4 stars). 14 submissions from 14 submitters: Pathogenic (10). 4 of the submissions do not count toward it. Last evaluated 2025-06-26.

Conditions:
Tubulinopathy. Also called: Tubulinopathies. Identifiers: MedGen CN850169, MONDO:0100153.
Inborn genetic diseases. Identifiers: MedGen C0950123, MeSH D030342.
Lissencephaly. Also called: Lissencephaly spectrum disorders. Identifiers: Orphanet 48471, MedGen C0266463, MeSH D054082, MONDO:0018838, HP:0001339.
Lissencephaly due to TUBA1A mutation (CDCBM16). Also called: CORTICAL DYSPLASIA, COMPLEX, WITH OTHER BRAIN MALFORMATIONS 16; Lissencephaly 3. Identifiers: Orphanet 171680, MedGen C4305153, MONDO:0012703, OMIM 611603.

Submissions (14):

3billion
Classification: Pathogenic for Lissencephaly due to TUBA1A mutation. Last evaluated: 2025-06-26. Review status: criteria provided, single submitter. Criteria: ACMG Guidelines, 2015. Collection method: clinical testing. Allele origin: germline. Affected: yes.
Comment: The variant is not observed in the gnomAD v4.1.0 dataset. Predicted Consequence/Location: The variant is located in a mutational hot spot and/or well-established functional domain in which established pathogenic variants have been reported.Missense changes are a common disease-causing mechanism. In silico tool predictions suggest damaging effect of the variant on gene or gene product [REVEL: 0.94 (>=0.6, sensitivity 0.68 and specificity 0.92); 3Cnet: 0.99 (> 0.75, sensitivity 0.96 and precision 0.92)]. The same nucleotide change resulting in the same amino acid change has been previously reported as pathogenic/likely pathogenic with strong evidence (ClinVar ID: VCV000007070 /PMID: 17218254 /3billion dataset). Different missense changes at the same codon (p.Arg264Gly, p.Arg264His) have been reported as pathogenic/likely pathogenic with strong evidence (ClinVar ID: VCV000265283, VCV000287392 /PMID: 26663670). Therefore, this variant is classified as Pathogenic according to the recommendation of ACMG/AMP guideline.

Labcorp Genetics (formerly Invitae), Labcorp
Classification: Pathogenic. Last evaluated: 2025-04-28. Review status: criteria provided, single submitter. Criteria: Invitae Variant Classification Sherloc (09022015). Collection method: clinical testing. Allele origin: germline.
Comment: This sequence change replaces arginine, which is basic and polar, with cysteine, which is neutral and slightly polar, at codon 264 of the TUBA1A protein (p.Arg264Cys). This variant is not present in population databases (gnomAD no frequency). This missense change has been observed in individual(s) with cortical malformations (PMID: 17218254, 29671837, 34946966). In at least one individual the variant was observed to be de novo. ClinVar contains an entry for this variant (Variation ID: 7070). Invitae Evidence Modeling of protein sequence and biophysical properties (such as structural, functional, and spatial information, amino acid conservation, physicochemical variation, residue mobility, and thermodynamic stability) indicates that this missense variant is expected to disrupt TUBA1A protein function with a positive predictive value of 80%. For these reasons, this variant has been classified as Pathogenic.

Victorian Clinical Genetics Services, Murdoch Childrens Research Institute
Classification: Pathogenic for Lissencephaly due to TUBA1A mutation. Last evaluated: 2024-10-09. Review status: criteria provided, single submitter. Criteria: ACMG Guidelines, 2015. Collection method: clinical testing. Allele origin: germline. Inheritance: Autosomal dominant inheritance. Affected: yes.
Comment: Based on the classification scheme VCGS_Germline_v1.3.4, this variant is classified as Pathogenic. Following criteria are met: 0104 - Dominant negative is a known mechanism of disease in this gene and is associated with lissencephaly 3, resulting in defects in protein stability (MIM#61160; PMID: 20466733, PMID: 30517687). A phenotypic spectrum including congenital fibrosis of the extraocular muscles has also been described (PMID: 33649541). (I) 0107 - This gene is associated with autosomal dominant disease. (I) 0200 - Variant is predicted to result in a missense amino acid change from arginine to cysteine. (I) 0251 - This variant is heterozygous. (I) 0301 - Variant is absent from gnomAD (both v2 and v3). (SP) 0501 - Missense variant consistently predicted to be damaging by multiple in silico tools or highly conserved with a major amino acid change. (SP) 0603 - Missense variant in a region that is highly intolerant to missense variation (high constraint region in DECIPHER). (SP) 0702 - Other missense variants comparable to the one identified in this case have strong previous evidence for pathogenicity. Two other variants in the same codon with changes to histidine (p.Arg264His) and glycine (p.Arg264Gly) have been reported as pathogenic in ClinVar. (SP) 0801 - This variant has strong previous evidence of pathogenicity in unrelated individuals. This variant has been reported as pathogenic in multiple individuals with lissencephaly (ClinVar, PMID: 17218254, VCGS). (SP) Legend: (SP) - Supporting pathogenic, (I) - Information, (SB) - Supporting benign

Department of Human Genetics, Hannover Medical School
Classification: Pathogenic for Lissencephaly due to TUBA1A mutation. Last evaluated: 2023-05-05. Review status: criteria provided, single submitter. Criteria: ACMG Guidelines, 2015. Collection method: clinical testing. Allele origin: germline. Inheritance: Autosomal dominant inheritance. Affected: yes.

Genetics Laboratory, UDIAT-Centre Diagnòstic, Hospital Universitari Parc Tauli
Classification: Pathogenic for Lissencephaly due to TUBA1A mutation. Last evaluated: 2022-10-04. Review status: criteria provided, single submitter. Criteria: Parc Tauli Hospital Assertion Criteria 2021. Collection method: clinical testing. Allele origin: de novo. Inheritance: Autosomal dominant inheritance. Affected: yes.
Comment: PS4;PM1;PM2_supporting;PM5;PP2;PP3

GeneDx
Classification: Pathogenic. Last evaluated: 2021-04-15. Review status: criteria provided, single submitter. Criteria: GeneDx Variant Classification Process June 2021. Collection method: clinical testing. Allele origin: germline. Affected: yes.
Comment: Published functional studies demonstrate a damaging effect as alpha tubulin protein harboring R264C has a diminished capacity of de novo tubulin heterodimer formation (Tian et al., 2008); Not observed in large population cohorts (Lek et al., 2016); Missense variants in this gene are often considered pathogenic (Stenson et al., 2014); This variant is associated with the following publications: (PMID: 29671837, 28677066, 17584854, 17218254, 18199681, 18669490, 27431206, 18728072)

Institute of Human Genetics, FAU Erlangen, Friedrich-Alexander-Universität Erlangen-Nürnberg
Classification: Pathogenic for Tubulinopathies. Last evaluated: 2018-07-01. Review status: criteria provided, single submitter. Criteria: ACMG Guidelines, 2015. Collection method: literature only. Allele origin: de novo. Affected: yes. Observed: 10 variant alleles.
Comment: The c.790C>T, p.(Arg264Cys) variant has been reported as a variant of de novo origin. This variant and associated phenotype was previously reported by Keays et al. Cell, 2007 PMID: 17218254. Pachygyria (HP:0001302); Dysgenesis of the cerebellar vermis (HP:0002195); Hypoplasia of the brainstem (HP:0002365); Dilation of lateral ventricles (HP:0006956); Gray matter heterotopia (HP:0002281); Congenital microcephaly (HP:0011451); Microcephaly (HP:0000252); no Seizures (-HP:0001250)

Ambry Genetics
Classification: Pathogenic for Inborn genetic diseases. Last evaluated: 2016-09-16. Review status: criteria provided, single submitter. Criteria: Ambry exome assertion method (8-5-2015). Collection method: clinical testing. Allele origin: germline. Affected: yes. Observed: 1 variant allele.

Genetic Services Laboratory, University of Chicago
Classification: Pathogenic for Lissencephaly 3. Last evaluated: 2014-07-07. Review status: criteria provided, single submitter. Criteria: ACMG Guidelines, 2015. Collection method: clinical testing. Allele origin: germline. Inheritance: Autosomal dominant inheritance. Affected: yes.

Molecular Genetics Lab, CHRU Brest
Classification: Pathogenic for Lissencephaly due to TUBA1A mutation. Review status: criteria provided, single submitter. Criteria: ACMG Guidelines, 2015. Collection method: clinical testing. Allele origin: de novo. Affected: yes.

OMIM
Classification: Pathogenic for CORTICAL DYSPLASIA, COMPLEX, WITH OTHER BRAIN MALFORMATIONS 16. Last evaluated: 2008-10-01. Review status: no assertion criteria provided. Collection method: literature only. Allele origin: germline. Not counted in ClinVar's aggregate classification.

GeneReviews
No classification provided. Condition: Lissencephaly type 3. Review status: no classification provided. Collection method: literature only. Allele origin: germline. Affected: yes. Not counted in ClinVar's aggregate classification.
Comment: Polymicrogyria-like cortical dysplasia

Service de Génétique Moléculaire, Hôpital Robert Debré
Classification: Pathogenic for Lissencephaly due to TUBA1A mutation. Review status: no assertion criteria provided. Collection method: clinical testing. Allele origin: unknown. Affected: yes. Not counted in ClinVar's aggregate classification.

University of Washington Center for Mendelian Genomics, University of Washington
Classification: Likely pathogenic for lissencephaly. Review status: no assertion criteria provided. Collection method: research. Allele origin: unknown. Affected: yes. Not counted in ClinVar's aggregate classification.

Literature cited by the submitters: PubMed 26663670 (cited by 3billion and Ambry Genetics); PubMed 17218254 (cited by 5 submitters); PubMed 29671837 (cited by Labcorp Genetics (formerly Invitae), Labcorp and University of Washington Center for Mendelian Genomics, University of Washington); PubMed 34946966 (cited by Labcorp Genetics (formerly Invitae), Labcorp); PubMed 20466733 (cited by Victorian Clinical Genetics Services, Murdoch Childrens Research Institute); PubMed 30517687 (cited by Victorian Clinical Genetics Services, Murdoch Childrens Research Institute); PubMed 33649541 (cited by Victorian Clinical Genetics Services, Murdoch Childrens Research Institute); PubMed 30744660 (cited by Institute of Human Genetics, FAU Erlangen, Friedrich-Alexander-Universität Erlangen-Nürnberg); DOI 10.1101/427948 (cited by Institute of Human Genetics, FAU Erlangen, Friedrich-Alexander-Universität Erlangen-Nürnberg); PubMed 18199681 (cited by Ambry Genetics); PubMed 24860126 (cited by Ambry Genetics and GeneReviews); PubMed 18728072 (cited by 3 submitters); PubMed 17584854 (cited by OMIM); NCBI Bookshelf NBK350554 (cited by GeneReviews).